The following is an entry in ClinVar:

ClinVar aggregate classification (germline): Uncertain significance (1 of 4 stars; one submission).

Submission:

GeneDx
Classification: Uncertain significance. Last evaluated: 2025-08-15. Review status: criteria provided, single submitter. Criteria: GeneDx Variant Classification Process June 2021. Collection method: clinical testing. Allele origin: germline. Affected: yes.
Comment: Not observed at significant frequency in large population cohorts (gnomAD); Frameshift variant predicted to result in protein truncation or nonsense mediated decay in a gene or region of a gene for which loss of function is not a well-established mechanism of disease; Has not been previously published as pathogenic or benign to our knowledge

NM_000937.5(POLR2A):c.3717del (p.Phe1239fs)

Gene: POLR2A (RNA polymerase II subunit A; plus strand). Cytogenetic location: 17p13.1.
Variant type: Deletion.
Coding change: c.3717del on transcript NM_000937.5 (MANE Select); coding-DNA position 3717, one base deleted (T; older notation c.3717delT).
Protein change: p.Phe1239fs; shifts the reading frame from phenylalanine 1239.
Molecular consequence: frameshift variant.
Genome position (GRCh38, 1-based): chr17:7,509,536, T deleted; the last of 4 consecutive T bases (chr17:7,509,533-7,509,536); deleting any one gives the same sequence. VCF-style (leftmost placement, unchanged base first): chr17-7509532-GT-G. GRCh37 (hg19) VCF-style: chr17-7412851-GT-G.
Other names: short protein forms F1239fs.
Identifiers: ClinVar variation 4795658 (VCV004795658.1).